The following is an entry in ClinVar:

ClinVar aggregate classification (germline): Uncertain significance. Review status: criteria provided, multiple submitters, no conflicts (2 of 4 stars). 8 submissions from 8 submitters: Uncertain significance (6). 2 of the submissions do not count toward it. Last evaluated 2026-04-21.

Conditions:
MKS1-related disorder. Also called: MKS1-related disorders; MKS1-related condition. Identifiers: MedGen CN239382.
Meckel-Gruber syndrome. Also called: DYSENCEPHALIA SPLANCHNOCYSTICA; GRUBER SYNDROME; Dysencephalia splachnocystica. Identifiers: Orphanet 564, MedGen C0265215, MONDO:0018921.
Joubert syndrome. Also called: Familial aplasia of the vermis; JOUBERT-BOLTSHAUSER SYNDROME. Identifiers: Orphanet 475, MedGen C5979921, MONDO:0018772.
Meckel syndrome, type 1 (MKS1). Also called: MECKEL-GRUBER SYNDROME, TYPE 1. Identifiers: Orphanet 564, MedGen C3714506, MONDO:0009571, OMIM 249000.
Joubert syndrome 28 (JBTS28). Identifiers: MedGen C4310705, MONDO:0014928, OMIM 617121.
Bardet-Biedl syndrome 13 (BBS13). Identifiers: Orphanet 110, MedGen C2673873, MONDO:0014441, OMIM 615990.

Allele frequency attached by ClinVar (database versions not stated): gnomAD exomes 0.00004; gnomAD 0.00024 and 0.00021; TOPMed 0.00045; ExAC 0.00009; 1000 Genomes Project 30x 0.00016; ESP Exome Variant Server 0.00016; 1000 Genomes Project 0.00020.
gnomAD v4.1: 195 of 1,613,072 alleles (0.012%); highest among the groups gnomAD compares: Admixed American, 0.047%; no homozygotes.

Submissions (8):

PreventionGenetics, part of Exact Sciences
Classification: Uncertain significance for MKS1-related condition. Last evaluated: 2026-04-21. Review status: criteria provided, single submitter. Criteria: ACMG Guidelines, 2015. Collection method: clinical testing. Allele origin: germline.
Comment: The MKS1 c.83T>C variant is predicted to result in the amino acid substitution p.Val28Ala. This variant has been reported in a patient with hereditary vison loss (Table S12, Diñeiro et al. 2020. PubMed ID: 32483926). This variant typically co-occurs in cis (on the same allele) with MKS1 variant c.857A>G (p.Asp286Gly) (Internal Data, PreventionGenetics). This variant is reported in 0.0070% of alleles in individuals of European (Non-Finnish) descent in gnomAD. At this time, the clinical significance of this variant is uncertain due to the absence of conclusive functional and genetic evidence.

Labcorp Genetics (formerly Invitae), Labcorp
Classification: Uncertain significance for Joubert syndrome; Meckel-Gruber syndrome. Last evaluated: 2025-01-06. Review status: criteria provided, single submitter. Criteria: Invitae Variant Classification Sherloc (09022015). Collection method: clinical testing. Allele origin: germline.
Comment: This sequence change replaces valine, which is neutral and non-polar, with alanine, which is neutral and non-polar, at codon 28 of the MKS1 protein (p.Val28Ala). This variant is present in population databases (rs201957874, gnomAD 0.007%). This missense change has been observed in individual(s) with clinical features of MKS1-related conditions (PMID: 32483926). ClinVar contains an entry for this variant (Variation ID: 594505). An algorithm developed to predict the effect of missense changes on protein structure and function (PolyPhen-2) suggests that this variant is likely to be disruptive. In summary, the available evidence is currently insufficient to determine the role of this variant in disease. Therefore, it has been classified as a Variant of Uncertain Significance.

Blueprint Genetics
Classification: Uncertain significance. Last evaluated: 2024-05-13. Review status: criteria provided, single submitter. Criteria: ACMG Guidelines, 2015. Collection method: clinical testing. Allele origin: germline.

Fulgent Genetics
Classification: Uncertain significance for Meckel syndrome, type 1; Bardet-Biedl syndrome 13; Joubert syndrome 28. Last evaluated: 2024-01-22. Review status: criteria provided, single submitter. Criteria: ACMG Guidelines, 2015. Collection method: clinical testing. Allele origin: germline.

GeneDx
Classification: Uncertain significance. Last evaluated: 2022-12-13. Review status: criteria provided, single submitter. Criteria: GeneDx Variant Classification Process June 2021. Collection method: clinical testing. Allele origin: germline. Affected: yes.
Comment: Observed in an individual with retinal dystrophy in published literature (Dieiro et al., 2020); Not observed at significant frequency in large population cohorts (gnomAD); In silico analysis supports that this missense variant does not alter protein structure/function; This variant is associated with the following publications: (PMID: 32483926)

Eurofins Ntd Llc (ga)
Classification: Uncertain significance. Last evaluated: 2018-06-18. Review status: criteria provided, single submitter. Criteria: EGL ClinVar v180209 classification definitions. Collection method: clinical testing. Allele origin: germline. Observed: 2 variant alleles, 2 heterozygotes.

Natera, Inc.
Classification: Uncertain significance for Meckel syndrome type 1. Last evaluated: 2019-11-11. Review status: no assertion criteria provided. Collection method: clinical testing. Allele origin: germline. Not counted in ClinVar's aggregate classification.

Department of Pathology and Laboratory Medicine, Sinai Health System
Classification: Uncertain significance. Review status: no assertion criteria provided. Collection method: clinical testing. Allele origin: unknown. Affected: yes. Study: The Canadian Open Genetics Repository (COGR). Not counted in ClinVar's aggregate classification.
Comment: The MKS1 p.Val18Ala variant was not identified in the literature but was identified in dbSNP (ID: rs201957874), ClinVar (classified as uncertain significance by EGL Genetic Diagnostics), and LOVD 3.0 (variant effect not shared). The variant was identified in control databases in 12 of 280932 chromosomes at a frequency of 0.00004271 (Genome Aggregation Database March 6, 2019, v2.1.1). The variant was observed in the following populations: Other in 1 of 7148 chromosomes (freq: 0.00014), European (non-Finnish) in 9 of 128698 chromosomes (freq: 0.00007) and Latino in 2 of 35372 chromosomes (freq: 0.000057), but was not observed in the African, Ashkenazi Jewish, East Asian, European (Finnish), or South Asian populations. The p.Val18 residue is not conserved in mammals and computational analyses (PolyPhen-2, SIFT, AlignGVGD, BLOSUM, MutationTaster) provide inconsistent predictions regarding the impact to the protein; this information is not very predictive of pathogenicity. The variant occurs outside of the splicing consensus sequence and in silico or computational prediction software programs (SpliceSiteFinder, MaxEntScan, NNSPLICE, GeneSplicer) do not predict a difference in splicing. In summary, based on the above information the clinical significance of this variant cannot be determined with certainty at this time. This variant is classified as a variant of uncertain significance.

Literature cited by the submitters: PubMed 32483926 (cited by Labcorp Genetics (formerly Invitae), Labcorp).

NM_017777.4(MKS1):c.83T>C (p.Val28Ala)

Gene: MKS1 (MKS transition zone complex subunit 1; minus strand). Cytogenetic location: 17q22.
Variant type: single nucleotide variant.
Coding change: c.83T>C on transcript NM_017777.4 (MANE Select); coding-DNA position 83, T replaced by C.
Protein change: p.Val28Ala; replaces valine 28 with alanine.
Molecular consequence: missense variant. On other transcripts: 5 prime UTR variant (1).
Genome position (GRCh38, 1-based): chr17:58,218,727, A>G on the plus strand (T>C on the coding strand, the complement: MKS1 is on the minus strand). VCF-style: chr17-58218727-A-G. GRCh37 (hg19) VCF-style: chr17-56296088-A-G.
Other names: c.-429T>C (NM_001321268.2); c.83T>C, p.Val28Ala (NM_001321269.2, NM_001330397.2); short protein forms V28A.
Identifiers: ClinVar variation 594505 (VCV000594505.20), dbSNP rs201957874, ClinGen allele CA8669644.
Genomic context (GRCh38, chr17:58,218,727, plus strand): 5'-CCGAGCTCGGCAGCAGGCTGATAATGAAGAAAGTTGCTTGATGTGATTCTTTGCAGGTGG[A>G]CTCTGTCAAGAAAAGCCCAAAATATTCGTTACCAGACACGCAACCAGGAGATGAACACAA-3'
Protein context (NP_060247.2, residues 18-38): RDPVRNLRLR[Val28Ala]HLQRITSSNF